The following is an entry in ClinVar:

NM_004614.5(TK2):c.539-176G>A

Gene: TK2 (thymidine kinase 2; minus strand). Cytogenetic location: 16q21.
Variant type: single nucleotide variant.
Coding change: c.539-176G>A on transcript NM_004614.5 (MANE Select); 176 bases into the intron before coding-DNA position 539, G replaced by A.
Molecular consequence: intron variant.
Genome position (GRCh38, 1-based): chr16:66,517,391, C>T on the plus strand (G>A on the coding strand, the complement: TK2 is on the minus strand). VCF-style: chr16-66517391-C-T. GRCh37 (hg19) VCF-style: chr16-66551294-C-T.
Other names: c.357-3580G>A (NM_001271935.1); c.446-176G>A (NM_001172643.1); c.464-176G>A (NM_001172644.2); c.485-176G>A (NM_001172645.2); c.392-176G>A (NM_001271934.2); c.248-176G>A (NM_001272050.2).
Identifiers: ClinVar variation 670748 (VCV000670748.2), dbSNP rs75641132, ClinGen allele CA282177135.

ClinVar aggregate classification (germline): Benign. Review status: criteria provided, multiple submitters, no conflicts (2 of 4 stars). 2 submissions from 2 submitters: Benign (2). Last evaluated 2018-06-16.

Allele frequency attached by ClinVar (database versions not stated): 1000 Genomes Project 0.06330; 1000 Genomes Project 30x 0.06355; TOPMed 0.06800; gnomAD 0.06964 and 0.06977.
gnomAD v4.1: 58,225 of 705,210 alleles (8.3%); highest among the groups gnomAD compares: Admixed American, 12%; 2,807 homozygotes.

Submissions (2):

GeneDx
Classification: Benign. Last evaluated: 2018-06-16. Review status: criteria provided, single submitter. Criteria: GeneDx Variant Classification (06012015). Collection method: clinical testing. Allele origin: germline. Affected: yes.
Comment: This variant is considered likely benign or benign based on one or more of the following criteria: it is a conservative change, it occurs at a poorly conserved position in the protein, it is predicted to be benign by multiple in silico algorithms, and/or has population frequency not consistent with disease.

Breakthrough Genomics
Classification: Benign. Review status: criteria provided, single submitter. Criteria: ACMG Guidelines, 2015. Collection method: not provided. Allele origin: germline. Inheritance: Autosomal recessive inheritance. Affected: yes.